The following is an entry in ClinVar:

NM_004560.4(ROR2):c.1613G>T (p.Cys538Phe)

Gene: ROR2 (receptor tyrosine kinase like orphan receptor 2; minus strand). Cytogenetic location: 9q22.31.
Variant type: single nucleotide variant.
Coding change: c.1613G>T on transcript NM_004560.4 (MANE Select); coding-DNA position 1613, G replaced by T.
Protein change: p.Cys538Phe; replaces cysteine 538 with phenylalanine.
Molecular consequence: missense variant.
Genome position (GRCh38, 1-based): chr9:91,724,881, C>A on the plus strand (G>T on the coding strand, the complement: ROR2 is on the minus strand). VCF-style: chr9-91724881-C-A. GRCh37 (hg19) VCF-style: chr9-94487163-C-A.
Other names: short protein forms C538F.
Identifiers: ClinVar variation 3731214 (VCV003731214.1).

ClinVar aggregate classification (germline): Uncertain significance (1 of 4 stars; one submission).

gnomAD v4.1: 1 of 1,603,420 alleles (0.000062%); highest among the groups gnomAD compares: Non-Finnish European, 0.000085%; no homozygotes.

Submission:

GeneDx
Classification: Uncertain significance. Last evaluated: 2024-08-15. Review status: criteria provided, single submitter. Criteria: GeneDx Variant Classification Process June 2021. Collection method: clinical testing. Allele origin: germline. Affected: yes.
Comment: Not observed at significant frequency in large population cohorts (gnomAD); In silico analysis supports that this missense variant has a deleterious effect on protein structure/function; Has not been previously published as pathogenic or benign to our knowledge